The following is an entry in ClinVar:

NM_020247.5(COQ8A):c.1470C>A (p.Asn490Lys)

Gene: COQ8A (coenzyme Q8A; plus strand). Cytogenetic location: 1q42.13.
Variant type: single nucleotide variant.
Coding change: c.1470C>A on transcript NM_020247.5 (MANE Select); coding-DNA position 1470, C replaced by A.
Protein change: p.Asn490Lys; replaces asparagine 490 with lysine.
Molecular consequence: missense variant.
Genome position (GRCh38, 1-based): chr1:226,984,619, C>A. VCF-style: chr1-226984619-C-A. GRCh37 (hg19) VCF-style: chr1-227172320-C-A.
Other names: short protein forms N490K.
Identifiers: ClinVar variation 1710594 (VCV001710594.2), dbSNP rs956004289, ClinGen allele CA38652375.

ClinVar aggregate classification (germline): Uncertain significance (1 of 4 stars; one submission).

Allele frequency attached by ClinVar (database versions not stated): gnomAD exomes 0.00001.
gnomAD v4.1: 17 of 1,614,216 alleles (0.0011%); highest among the groups gnomAD compares: Non-Finnish European, 0.0014%; no homozygotes.

Submission:

GeneDx
Classification: Uncertain significance. Last evaluated: 2022-04-11. Review status: criteria provided, single submitter. Criteria: GeneDx Variant Classification Process June 2021. Collection method: clinical testing. Allele origin: germline. Affected: yes.
Comment: Not observed at significant frequency in large population cohorts (gnomAD); In silico analysis supports that this missense variant has a deleterious effect on protein structure/function; Has not been previously published as pathogenic or benign to our knowledge